The following is an entry in ClinVar:

NM_025114.4(CEP290):c.5512A>G (p.Arg1838Gly)

Gene: CEP290 (centrosomal protein 290; minus strand). Cytogenetic location: 12q21.32.
Variant type: single nucleotide variant.
Coding change: c.5512A>G on transcript NM_025114.4 (MANE Select); coding-DNA position 5512, A replaced by G.
Protein change: p.Arg1838Gly; replaces arginine 1838 with glycine.
Molecular consequence: missense variant.
Genome position (GRCh38, 1-based): chr12:88,077,771, T>C on the plus strand (A>G on the coding strand, the complement: CEP290 is on the minus strand). VCF-style: chr12-88077771-T-C. GRCh37 (hg19) VCF-style: chr12-88471548-T-C.
Other names: short protein forms R1838G.
Identifiers: ClinVar variation 4995622 (VCV004995622.1).
Genomic context (GRCh38, chr12:88,077,771, plus strand): 5'-TTAGTCTTTTAATTTGCCTTTTCAGTTCATCATTCTCTTGATCAATTTCCTCTTTCTCTC[T>C]AAGTATTTTATTATAGGCTTTTTGTTTCTTTTGCAGTTCATTATTTAAGTCATTCAAATT-3'
Protein context (NP_079390.3, residues 1828-1848): KKQKAYNKIL[Arg1838Gly]EKEEIDQEND

ClinVar aggregate classification (germline): Uncertain significance (1 of 4 stars; one submission).

Conditions:
CEP290-related disorder. Also called: CEP290-related condition; CEP290-related disorders. Identifiers: MedGen CN239314.

gnomAD v4.1: 1 of 1,581,562 alleles (0.000063%); highest among the groups gnomAD compares: South Asian, 0.0012%; no homozygotes.

Submission:

PreventionGenetics, part of Exact Sciences
Classification: Uncertain significance for CEP290-related condition. Last evaluated: 2026-04-21. Review status: criteria provided, single submitter. Criteria: ACMG Guidelines, 2015. Collection method: clinical testing. Allele origin: germline.
Comment: The CEP290 c.5512A>G variant is predicted to result in the amino acid substitution p.Arg1838Gly. To our knowledge, this variant has not been reported in the literature. This variant is reported in 0.0038% of alleles in individuals of South Asian descent in gnomAD. At this time, the clinical significance of this variant is uncertain due to the absence of conclusive functional and genetic evidence.